The following is an entry in ClinVar:

NM_001243279.3(ACSF3):c.852G>A (p.Thr284=)

Gene: ACSF3 (acyl-CoA synthetase family member 3; plus strand). Cytogenetic location: 16q24.3.
Variant type: single nucleotide variant.
Coding change: c.852G>A on transcript NM_001243279.3 (MANE Select); coding-DNA position 852, G replaced by A.
Protein change: p.Thr284=; no amino-acid change (threonine 284 retained).
Molecular consequence: synonymous variant. On other transcripts: non-coding transcript variant (3).
Genome position (GRCh38, 1-based): chr16:89,112,121, G>A. VCF-style: chr16-89112121-G-A. GRCh37 (hg19) VCF-style: chr16-89178529-G-A.
Other names: c.852G>A, p.Thr284= (NM_001127214.4, NM_174917.5); c.57G>A, p.Thr19= (NM_001284316.2).
Identifiers: ClinVar variation 389043 (VCV000389043.15), dbSNP rs183159791, ClinGen allele CA8237863.

ClinVar aggregate classification (germline): Benign/Likely benign. Review status: criteria provided, multiple submitters, no conflicts (2 of 4 stars). 5 submissions from 5 submitters: Benign (1); Likely benign (4). Last evaluated 2026-05-01.

Conditions:
Combined malonic and methylmalonic acidemia. Identifiers: Orphanet 289504, MedGen C3280314, MONDO:0013661, OMIM 614265.
ACSF3-related disorder. Also called: ACSF3-related condition.

Allele frequency attached by ClinVar (database versions not stated): ESP Exome Variant Server 0.00015; TOPMed 0.00026; gnomAD exomes 0.00031 and 0.00056; ExAC 0.00049; 1000 Genomes Project 0.00060; gnomAD 0.00242 and 0.00253.
gnomAD v4.1: 367 of 1,104,388 alleles (0.033%); highest among the groups gnomAD compares: Admixed American, 0.33%; 1 homozygote.

Submissions (5):

CeGaT Center for Human Genetics Tuebingen
Classification: Likely benign. Last evaluated: 2026-05-01. Review status: criteria provided, single submitter. Criteria: CeGaT Center For Human Genetics Tuebingen Variant Classification Criteria Version 2. Collection method: clinical testing. Allele origin: germline. Affected: yes. Observed: 1 variant allele.
Comment: ACSF3: BP4, BP7

Labcorp Genetics (formerly Invitae), Labcorp
Classification: Benign for Combined malonic and methylmalonic acidemia. Last evaluated: 2026-01-19. Review status: criteria provided, single submitter. Criteria: Invitae Variant Classification Sherloc (09022015). Collection method: clinical testing. Allele origin: germline.

PreventionGenetics, part of Exact Sciences
Classification: Likely benign for ACSF3-related condition. Last evaluated: 2024-12-06. Review status: criteria provided, single submitter. Criteria: ACMG Guidelines, 2015. Collection method: clinical testing. Allele origin: germline.
Comment: This variant is classified as likely benign based on ACMG/AMP sequence variant interpretation guidelines (Richards et al. 2015 PMID: 25741868, with internal and published modifications).

Blueprint Genetics
Classification: Likely benign. Last evaluated: 2024-10-18. Review status: criteria provided, single submitter. Criteria: ACMG Guidelines, 2015. Collection method: clinical testing. Allele origin: germline.

GeneDx
Classification: Likely benign. Last evaluated: 2016-09-19. Review status: criteria provided, single submitter. Criteria: GeneDx Variant Classification (06012015). Collection method: clinical testing. Allele origin: germline. Affected: yes.
Comment: This variant is considered likely benign or benign based on one or more of the following criteria: it is a conservative change, it occurs at a poorly conserved position in the protein, it is predicted to be benign by multiple in silico algorithms, and/or has population frequency not consistent with disease.